The following is an entry in ClinVar:

ClinVar aggregate classification (germline): Likely benign (1 of 4 stars; one submission).

Allele frequency attached by ClinVar (database versions not stated): 1000 Genomes Project 30x 0.00031; 1000 Genomes Project 0.00040; ESP Exome Variant Server 0.00041; ExAC 0.00051; gnomAD 0.00053.
gnomAD v4.1: 541 of 1,612,848 alleles (0.034%); highest among the groups gnomAD compares: Non-Finnish European, 0.022%; no homozygotes.

Submission:

CeGaT Center for Human Genetics Tuebingen
Classification: Likely benign. Last evaluated: 2023-01-01. Review status: criteria provided, single submitter. Criteria: CeGaT Center For Human Genetics Tuebingen Variant Classification Criteria Version 2. Collection method: clinical testing. Allele origin: germline. Affected: yes. Observed: 1 variant allele.
Comment: AHNAK2: BP4, BP7

NM_138420.4(AHNAK2):c.11871C>T (p.Ala3957=)

Gene: AHNAK2 (AHNAK nucleoprotein 2; minus strand). Cytogenetic location: 14q32.33.
Variant type: single nucleotide variant.
Coding change: c.11871C>T on transcript NM_138420.4 (MANE Select); coding-DNA position 11871, C replaced by T.
Protein change: p.Ala3957=; no amino-acid change (alanine 3957 retained).
Molecular consequence: synonymous variant.
Genome position (GRCh38, 1-based): chr14:104,943,580, G>A on the plus strand (C>T on the coding strand, the complement: AHNAK2 is on the minus strand). VCF-style: chr14-104943580-G-A. GRCh37 (hg19) VCF-style: chr14-105409917-G-A.
Other names: c.11571C>T, p.Ala3857= (NM_001350929.2).
Identifiers: ClinVar variation 2644649 (VCV002644649.24), dbSNP rs375246824, ClinGen allele CA7378576.
Genomic context (GRCh38, chr14:104,943,580, plus strand): 5'-CGACGGCATCTTGAACTTGGGCATTTTGAACTTGCTGTCTTTGGCCGTCATGTCCTTGTC[G>A]GCCAGGGACAGGTCCCCCTCCAGCCGCGCACCATCCAGCTTGGCTCCTGGGGCCTCGACG-3'
Protein context (NP_612429.2, residues 3947-3967): GARLEGDLSL[Ala3957=]DKDMTAKDSK